The following is an entry in ClinVar:

ClinVar aggregate classification (germline): Uncertain significance. Review status: criteria provided, multiple submitters, no conflicts (2 of 4 stars). 2 submissions from 2 submitters: Uncertain significance (2). Last evaluated 2026-08-10.

Conditions:
Familial thoracic aortic aneurysm and aortic dissection (TAAD). Also called: Thoracic aortic aneurysms and dissections. Identifiers: Orphanet 91387, MedGen C4707243, MONDO:0019625.
NOTCH1-related disorder. Also called: NOTCH1-related condition; NOTCH1-related disorders.

gnomAD v4.1: 3 of 1,611,442 alleles (0.00019%); highest among the groups gnomAD compares: Non-Finnish European, 0.00025%; no homozygotes.

Submissions (2):

Ambry Genetics
Classification: Uncertain significance for Familial thoracic aortic aneurysm and aortic dissection. Last evaluated: 2026-08-10. Review status: criteria provided, single submitter. Criteria: Ambry Variant Classification Scheme 2023. Collection method: clinical testing. Allele origin: germline.
Comment: The p.N1241S variant (also known as c.3722A>G), located in coding exon 23 of the NOTCH1 gene, results from an A to G substitution at nucleotide position 3722. The asparagine at codon 1241 is replaced by serine, an amino acid with highly similar properties. This amino acid position is conserved. In addition, this alteration is predicted to be tolerated by in silico analysis. Based on the available evidence, the clinical significance of this variant remains unclear.

PreventionGenetics, part of Exact Sciences
Classification: Uncertain significance for NOTCH1-related condition. Last evaluated: 2025-05-29. Review status: criteria provided, single submitter. Criteria: ACMG Guidelines, 2015. Collection method: clinical testing. Allele origin: germline.
Comment: The NOTCH1 c.3722A>G variant is predicted to result in the amino acid substitution p.Asn1241Ser. To our knowledge, this variant has not been reported in the literature or in a large population database (gnomAD), indicating this variant is rare. At this time, the clinical significance of this variant is uncertain due to the absence of conclusive functional and genetic evidence.

NM_017617.5(NOTCH1):c.3722A>G (p.Asn1241Ser)

Gene: NOTCH1 (notch receptor 1; minus strand). Cytogenetic location: 9q34.3.
Variant type: single nucleotide variant.
Coding change: c.3722A>G on transcript NM_017617.5 (MANE Select); coding-DNA position 3722, A replaced by G.
Protein change: p.Asn1241Ser; replaces asparagine 1241 with serine.
Molecular consequence: missense variant.
Genome position (GRCh38, 1-based): chr9:136,506,895, T>C on the plus strand (A>G on the coding strand, the complement: NOTCH1 is on the minus strand). VCF-style: chr9-136506895-T-C. GRCh37 (hg19) VCF-style: chr9-139401347-T-C.
Other names: c.3722A>G (NM_017617.3); short protein forms N1241S.
Identifiers: ClinVar variation 4986290 (VCV004986290.2).